The following is an entry in ClinVar:

NM_201548.5(CERKL):c.942G>C (p.Lys314Asn)

Gene: CERKL (CERK like autophagy regulator; minus strand). Cytogenetic location: 2q31.3.
Variant type: single nucleotide variant.
Coding change: c.942G>C on transcript NM_201548.5 (MANE Select); coding-DNA position 942, G replaced by C.
Protein change: p.Lys314Asn; replaces lysine 314 with asparagine.
Molecular consequence: missense variant. On other transcripts: non-coding transcript variant (2).
Genome position (GRCh38, 1-based): chr2:181,548,811, C>G on the plus strand (G>C on the coding strand, the complement: CERKL is on the minus strand). VCF-style: chr2-181548811-C-G. GRCh37 (hg19) VCF-style: chr2-182413538-C-G.
Other names: c.1020G>C, p.Lys340Asn (NM_001030311.3); c.603G>C, p.Lys201Asn (NM_001030312.3); c.735G>C, p.Lys245Asn (NM_001030313.3); c.888G>C, p.Lys296Asn (NM_001160277.2); short protein forms K314N, K245N, K340N, K201N, K296N.
Identifiers: ClinVar variation 1463144 (VCV001463144.8), dbSNP rs2105804059, ClinGen allele CA349737307.

ClinVar aggregate classification (germline): Uncertain significance (1 of 4 stars; one submission).

Submission:

Labcorp Genetics (formerly Invitae), Labcorp
Classification: Uncertain significance. Last evaluated: 2022-11-14. Review status: criteria provided, single submitter. Criteria: Invitae Variant Classification Sherloc (09022015). Collection method: clinical testing. Allele origin: germline.
Comment: This variant has not been reported in the literature in individuals affected with CERKL-related conditions. In summary, the available evidence is currently insufficient to determine the role of this variant in disease. Therefore, it has been classified as a Variant of Uncertain Significance. Advanced modeling of protein sequence and biophysical properties (such as structural, functional, and spatial information, amino acid conservation, physicochemical variation, residue mobility, and thermodynamic stability) performed at Invitae indicates that this missense variant is not expected to disrupt CERKL protein function. ClinVar contains an entry for this variant (Variation ID: 1463144). This sequence change replaces lysine, which is basic and polar, with asparagine, which is neutral and polar, at codon 340 of the CERKL protein (p.Lys340Asn). This variant is not present in population databases (gnomAD no frequency).